The following is an entry in ClinVar:

ClinVar aggregate classification (germline): Uncertain significance (1 of 4 stars; one submission).

Conditions:
Primary ciliary dyskinesia. Also called: Ciliary dyskinesia. Identifiers: Orphanet 244, MedGen C0008780, MONDO:0016575, HP:0012265.

Submission:

Labcorp Genetics (formerly Invitae), Labcorp
Classification: Uncertain significance for Primary ciliary dyskinesia. Last evaluated: 2025-03-05. Review status: criteria provided, single submitter. Criteria: Invitae Variant Classification Sherloc (09022015). Collection method: clinical testing. Allele origin: germline.
Comment: This sequence change replaces arginine, which is basic and polar, with cysteine, which is neutral and slightly polar, at codon 404 of the ZMYND10 protein (p.Arg404Cys). This variant is present in population databases (rs199890552, gnomAD 0.006%). This variant has not been reported in the literature in individuals affected with ZMYND10-related conditions. Invitae Evidence Modeling of protein sequence and biophysical properties (such as structural, functional, and spatial information, amino acid conservation, physicochemical variation, residue mobility, and thermodynamic stability) indicates that this missense variant is expected to disrupt ZMYND10 protein function with a positive predictive value of 80%. In summary, the available evidence is currently insufficient to determine the role of this variant in disease. Therefore, it has been classified as a Variant of Uncertain Significance.

NM_015896.4(ZMYND10):c.1210C>T (p.Arg404Cys)

Gene: ZMYND10 (zinc finger MYND-type containing 10; minus strand). Cytogenetic location: 3p21.31.
Variant type: single nucleotide variant.
Coding change: c.1210C>T on transcript NM_015896.4 (MANE Select); coding-DNA position 1210, C replaced by T.
Protein change: p.Arg404Cys; replaces arginine 404 with cysteine.
Molecular consequence: missense variant.
Genome position (GRCh38, 1-based): chr3:50,341,611, G>A on the plus strand (C>T on the coding strand, the complement: ZMYND10 is on the minus strand). VCF-style: chr3-50341611-G-A. GRCh37 (hg19) VCF-style: chr3-50379042-G-A.
Other names: c.1195C>T, p.Arg399Cys (NM_001308379.2); short protein forms R399C, R404C.
Identifiers: ClinVar variation 4755307 (VCV004755307.1).